The following is an entry in ClinVar:

NM_016097.5(IER3IP1):c.137C>T (p.Pro46Leu)

Gene: IER3IP1 (immediate early response 3 interacting protein 1; minus strand). Cytogenetic location: 18q21.1.
Variant type: single nucleotide variant.
Coding change: c.137C>T on transcript NM_016097.5 (MANE Select); coding-DNA position 137, C replaced by T.
Protein change: p.Pro46Leu; replaces proline 46 with leucine.
Molecular consequence: missense variant.
Genome position (GRCh38, 1-based): chr18:47,157,492, G>A on the plus strand (C>T on the coding strand, the complement: IER3IP1 is on the minus strand). VCF-style: chr18-47157492-G-A. GRCh37 (hg19) VCF-style: chr18-44683863-G-A.
Other names: short protein forms P46L.
Identifiers: ClinVar variation 1372794 (VCV001372794.8), dbSNP rs779559244, ClinGen allele CA8955720.
Genomic context (GRCh38, chr18:47,157,492, plus strand): 5'-TTACCTCTCATCACGGTTCTTACAGATCGAATAAGGTTCATTAGCTGTGATTTAATTCCC[G>A]GCTCTTCTCCAAATCCACCAATTCCCTGGTCTGTTCCCCAGCCAACTGTATAATGTAAAG-3'
Protein context (NP_057181.1, residues 36-56): DQGIGGFGEE[Pro46Leu]GIKSQLMNLI

ClinVar aggregate classification (germline): Uncertain significance. Review status: criteria provided, multiple submitters, no conflicts (2 of 4 stars). 2 submissions from 2 submitters: Uncertain significance (2). Last evaluated 2023-06-26.

Conditions:
Microcephaly, epilepsy, and diabetes syndrome 1 (MEDS1). Identifiers: MedGen CN305347, MONDO:0031481, OMIM 614231.
Microcephaly, epilepsy, and diabetes syndrome. Identifiers: Orphanet 306558, MedGen C3280240, MONDO:0100328.

Allele frequency attached by ClinVar (database versions not stated): gnomAD 0.00001; gnomAD exomes 0.00001 and 0.00002; TOPMed 0.00002; ExAC 0.00003.
gnomAD v4.1: 16 of 1,613,796 alleles (0.00099%); highest among the groups gnomAD compares: South Asian, 0.0077%; no homozygotes.

Submissions (2):

Revvity Omics, Revvity
Classification: Uncertain significance for Microcephaly, epilepsy, and diabetes syndrome 1. Last evaluated: 2023-06-26. Review status: criteria provided, single submitter. Criteria: ACMG Guidelines, 2015. Collection method: clinical testing. Allele origin: germline.

Labcorp Genetics (formerly Invitae), Labcorp
Classification: Uncertain significance for Microcephaly, epilepsy, and diabetes syndrome. Last evaluated: 2022-07-26. Review status: criteria provided, single submitter. Criteria: Invitae Variant Classification Sherloc (09022015). Collection method: clinical testing. Allele origin: germline.
Comment: ClinVar contains an entry for this variant (Variation ID: 1372794). This sequence change replaces proline, which is neutral and non-polar, with leucine, which is neutral and non-polar, at codon 46 of the IER3IP1 protein (p.Pro46Leu). This variant is present in population databases (rs779559244, gnomAD 0.01%). This variant has not been reported in the literature in individuals affected with IER3IP1-related conditions. Algorithms developed to predict the effect of missense changes on protein structure and function (SIFT, PolyPhen-2, Align-GVGD) all suggest that this variant is likely to be tolerated. In summary, the available evidence is currently insufficient to determine the role of this variant in disease. Therefore, it has been classified as a Variant of Uncertain Significance.